The following is an entry in ClinVar:

NM_015047.3(EMC1):c.1825G>A (p.Gly609Arg)

Genes: EMC1 (ER membrane protein complex subunit 1; minus strand), EMC1-AS1 (EMC1 antisense RNA 1; plus strand). Cytogenetic location: 1p36.13.
Variant type: single nucleotide variant.
Coding change: c.1825G>A on transcript NM_015047.3 (MANE Select); coding-DNA position 1825, G replaced by A.
Protein change: p.Gly609Arg; replaces glycine 609 with arginine.
Molecular consequence: missense variant.
Genome position (GRCh38, 1-based): chr1:19,231,380, C>T on the plus strand (G>A on the coding strand, the complement: EMC1 is on the minus strand). VCF-style: chr1-19231380-C-T. GRCh37 (hg19) VCF-style: chr1-19557874-C-T.
Other names: c.1822G>A, p.Gly608Arg (NM_001271427.2, NM_001271428.2); c.1759G>A, p.Gly587Arg (NM_001271429.2); c.1834G>A, p.Gly612Arg (NM_001375820.1); c.1831G>A, p.Gly611Arg (NM_001375821.1); short protein forms G587R, G609R, G612R, G611R, G608R.
Identifiers: ClinVar variation 1427935 (VCV001427935.8), dbSNP rs1266621519, ClinGen allele CA338759770.

ClinVar aggregate classification (germline): Uncertain significance (1 of 4 stars; one submission).

Allele frequency attached by ClinVar (database versions not stated): gnomAD 0.00001.
gnomAD v4.1: 1 of 1,611,402 alleles (0.000062%); highest among the groups gnomAD compares: Non-Finnish European, 0.000085%; no homozygotes.

Submission:

Labcorp Genetics (formerly Invitae), Labcorp
Classification: Uncertain significance. Last evaluated: 2021-05-17. Review status: criteria provided, single submitter. Criteria: Invitae Variant Classification Sherloc (09022015). Collection method: clinical testing. Allele origin: germline.
Comment: This variant is not present in population databases (ExAC no frequency). In summary, the available evidence is currently insufficient to determine the role of this variant in disease. Therefore, it has been classified as a Variant of Uncertain Significance. Algorithms developed to predict the effect of sequence changes on RNA splicing suggest that this variant may create or strengthen a splice site, but this prediction has not been confirmed by published transcriptional studies. Algorithms developed to predict the effect of missense changes on protein structure and function are either unavailable or do not agree on the potential impact of this missense change (SIFT: "Tolerated"; PolyPhen-2: "Probably Damaging"; Align-GVGD: "Class C0"). This variant has not been reported in the literature in individuals with EMC1-related conditions. This sequence change replaces glycine with arginine at codon 609 of the EMC1 protein (p.Gly609Arg). The glycine residue is highly conserved and there is a moderate physicochemical difference between glycine and arginine.